The following is an entry in ClinVar:

NC_012920.1(MT-ND4):m.11792T>G

Gene: MT-ND4 (mitochondrially encoded NADH dehydrogenase 4; plus strand).
Variant type: single nucleotide variant.
Genome position: chrM-11792-T-G.
Identifiers: ClinVar variation 693380 (VCV000693380.1), dbSNP rs1603223415, ClinGen allele CA414811102.

ClinVar aggregate classification (germline): Uncertain significance (1 of 4 stars; one submission).

Conditions:
Leigh syndrome (NULS). Also called: Leigh's necrotizing encephalopathy; Leigh's disease; Leigh Syndrome (mtDNA deletion); Leigh Disease; Subacute necrotizing encephalopathy; Necrotizing encephalopathy infantile subacute of Leigh. Identifiers: Orphanet 506, MedGen C2931891, MONDO:0009723, OMIM 256000.

Submission:

Wong Mito Lab, Molecular and Human Genetics, Baylor College of Medicine
Classification: Uncertain significance for Leigh syndrome. Last evaluated: 2019-10-17. Review status: criteria provided, single submitter. Criteria: Modified ACMG Guidelines (Unpublished). Collection method: clinical testing. Allele origin: germline.
Comment: The NC_012920.1:m.11792T>G (YP_003024035.1:p.Ser345Ala) variant in MTND4 gene is interpretated to be a Uncertain Significance variant based on the modified ACMG guidelines (unpublished). This variant meets the following evidence codes: BP4